The following is an entry in ClinVar:

ClinVar aggregate classification (germline): Uncertain significance. Review status: criteria provided, multiple submitters, no conflicts (2 of 4 stars). 3 submissions from 3 submitters: Uncertain significance (3). Last evaluated 2026-10-02.

Conditions:
Inborn genetic diseases. Identifiers: MedGen C0950123, MeSH D030342.

gnomAD v4.1: 28 of 1,614,064 alleles (0.0017%); highest among the groups gnomAD compares: Non-Finnish European, 0.0023%; no homozygotes.

Submissions (3):

GeneDx
Classification: Uncertain significance. Last evaluated: 2026-10-02. Review status: criteria provided, single submitter. Criteria: GeneDx Variant Classification Process June 2021. Collection method: clinical testing. Allele origin: germline.
Comment: Not observed at significant frequency in large population cohorts (gnomAD); In silico analysis suggests that this missense variant does not alter protein structure/function; Has not been previously published as pathogenic or benign to our knowledge

Ambry Genetics
Classification: Uncertain significance for Inborn genetic diseases. Last evaluated: 2021-10-06. Review status: criteria provided, single submitter. Criteria: Ambry Variant Classification Scheme 2023. Collection method: clinical testing. Allele origin: germline.

Labcorp Genetics (formerly Invitae), Labcorp
Classification: Uncertain significance. Last evaluated: 2021-07-28. Review status: criteria provided, single submitter. Criteria: Invitae Variant Classification Sherloc (09022015). Collection method: clinical testing. Allele origin: germline.
Comment: This sequence change replaces arginine with leucine at codon 261 of the TK2 protein (p.Arg261Leu). The arginine residue is weakly conserved and there is a moderate physicochemical difference between arginine and leucine. This variant is not present in population databases (ExAC no frequency). This variant has not been reported in the literature in individuals affected with TK2-related conditions. Advanced modeling of protein sequence and biophysical properties (such as structural, functional, and spatial information, amino acid conservation, physicochemical variation, residue mobility, and thermodynamic stability) performed at Invitae indicates that this missense variant is not expected to disrupt TK2 protein function. In summary, the available evidence is currently insufficient to determine the role of this variant in disease. Therefore, it has been classified as a Variant of Uncertain Significance.

NM_004614.5(TK2):c.782G>T (p.Arg261Leu)

Gene: TK2 (thymidine kinase 2; minus strand). Cytogenetic location: 16q21.
Variant type: single nucleotide variant.
Coding change: c.782G>T on transcript NM_004614.5 (MANE Select); coding-DNA position 782, G replaced by T.
Protein change: p.Arg261Leu; replaces arginine 261 with leucine.
Molecular consequence: missense variant. On other transcripts: 3 prime UTR variant (1), non-coding transcript variant (1).
Genome position (GRCh38, 1-based): chr16:66,511,984, C>A on the plus strand (G>T on the coding strand, the complement: TK2 is on the minus strand). VCF-style: chr16-66511984-C-A. GRCh37 (hg19) VCF-style: chr16-66545887-C-A.
Other names: c.689G>T, p.Arg230Leu (NM_001172643.1); c.707G>T, p.Arg236Leu (NM_001172644.2); c.728G>T, p.Arg243Leu (NM_001172645.2); c.635G>T, p.Arg212Leu (NM_001271934.2); c.*79G>T (NM_001271935.1); c.491G>T, p.Arg164Leu (NM_001272050.2); short protein forms R243L, R164L, R212L, R230L, R261L, R236L.
Identifiers: ClinVar variation 1477135 (VCV001477135.8), dbSNP rs780483040, ClinGen allele CA282172139.